The following is an entry in ClinVar:

ClinVar aggregate classification (germline): Uncertain significance (1 of 4 stars; one submission).

Submission:

Labcorp Genetics (formerly Invitae), Labcorp
Classification: Uncertain significance. Last evaluated: 2026-01-19. Review status: criteria provided, single submitter. Criteria: Invitae Variant Classification Sherloc (09022015). Collection method: clinical testing. Allele origin: germline.
Comment: This sequence change replaces glycine, which is neutral and non-polar, with aspartic acid, which is acidic and polar, at codon 261 of the MYO7A protein (p.Gly261Asp). Information on the frequency of this variant in the gnomAD database is not available, as this variant may be reported differently in the database. This variant has not been reported in the literature in individuals affected with MYO7A-related conditions. ClinVar contains an entry for this variant (Variation ID: 2898987). An algorithm developed to predict the effect of missense changes on protein structure and function (PolyPhen-2) suggests that this variant is likely to be disruptive. In summary, the available evidence is currently insufficient to determine the role of this variant in disease. Therefore, it has been classified as a Variant of Uncertain Significance.

NM_000260.4(MYO7A):c.782_783inv (p.Gly261Asp)

Gene: MYO7A (myosin VIIA; plus strand). Cytogenetic location: 11q13.5.
Variant type: Inversion.
Coding change: c.782_783inv on transcript NM_000260.4 (MANE Select).
Protein change: p.Gly261Asp; replaces glycine 261 with aspartic acid.
Molecular consequence: missense variant.
Genome position: GRCh38 VCF-style: chr11-77157325-GT-AC. GRCh37 (hg19) VCF-style: chr11-76868371-GT-AC.
Other names: c.782_783inv, p.Gly261Asp (NM_001127180.2); c.749_750inv, p.Gly250Asp (NM_001369365.1); short protein forms G250D, G261D.
Identifiers: ClinVar variation 2898987 (VCV002898987.3), ClinGen allele CA2739265966.
Genomic context (GRCh38, chr11:77,157,325, plus strand): 5'-GCCCACATTTTCAGGCCCTGGATGAAAGGAACTACCACGTGTTCTACTGCATGCTGGAGG[GT>AC]ATGAGTGAGGATCAGAAGAAGAAGCTGGGCTTGGGCCAGGCCTCTGACTACAACTACTTG-3'
Protein context (NP_000251.3, residues 251-271): NYHVFYCMLE[Gly261Asp]MSEDQKKKLG